The following is an entry in ClinVar:

ClinVar aggregate classification (germline): Uncertain significance (1 of 4 stars; one submission).

Conditions:
Early-onset Parkinson disease 20. Also called: PARKINSON DISEASE 20, AUTOSOMAL RECESSIVE EARLY-ONSET. Identifiers: Orphanet 391411, MedGen C3809824, MONDO:0014233, OMIM 615530.
Developmental and epileptic encephalopathy, 53. Also called: Epileptic encephalopathy, early infantile, 53. Identifiers: MedGen C4479313, MONDO:0033362, OMIM 617389.

Allele frequency attached by ClinVar (database versions not stated): gnomAD 0.00003 and 0.00004; gnomAD exomes 0.00006; TOPMed 0.00003.
gnomAD v4.1: 84 of 1,533,108 alleles (0.0055%); highest among the groups gnomAD compares: Non-Finnish European, 0.0071%; no homozygotes.

Submission:

Labcorp Genetics (formerly Invitae), Labcorp
Classification: Uncertain significance for Developmental and epileptic encephalopathy, 53; Early-onset Parkinson disease 20. Last evaluated: 2022-07-05. Review status: criteria provided, single submitter. Criteria: Invitae Variant Classification Sherloc (09022015). Collection method: clinical testing. Allele origin: germline.
Comment: This sequence change replaces lysine, which is basic and polar, with glutamine, which is neutral and polar, at codon 3 of the SYNJ1 protein (p.Lys3Gln). This variant is not present in population databases (gnomAD no frequency). This variant has not been reported in the literature in individuals affected with SYNJ1-related conditions. ClinVar contains an entry for this variant (Variation ID: 652266). Algorithms developed to predict the effect of missense changes on protein structure and function are either unavailable or do not agree on the potential impact of this missense change (SIFT: "Deleterious"; PolyPhen-2: "Benign"; Align-GVGD: "Class C0"). In summary, the available evidence is currently insufficient to determine the role of this variant in disease. Therefore, it has been classified as a Variant of Uncertain Significance.

NC_000021.9:g.32728034T>G

Gene: SYNJ1 (synaptojanin 1; minus strand). Cytogenetic location: 21q22.11.
Variant type: single nucleotide variant.
Molecular consequence: missense variant (on NM_003895.4).
Genome position: GRCh38 VCF-style: chr21-32728034-T-G. GRCh37 (hg19) VCF-style: chr21-34100345-T-G.
Other names: c.7A>C, p.Lys3Gln (NM_003895.4); short protein forms K3Q.
Identifiers: ClinVar variation 652266 (VCV000652266.9), dbSNP rs1037328706, ClinGen allele CA319437731.